The following is an entry in ClinVar:

ClinVar aggregate classification (germline): Uncertain significance (1 of 4 stars; one submission).

Allele frequency attached by ClinVar (database versions not stated): TOPMed 0.00009; gnomAD 0.00010; ExAC 0.00013; ESP Exome Variant Server 0.00038.
gnomAD v4.1: 141 of 1,610,524 alleles (0.0088%); highest among the groups gnomAD compares: Non-Finnish European, 0.011%; no homozygotes.

Submission:

CeGaT Center for Human Genetics Tuebingen
Classification: Uncertain significance. Last evaluated: 2024-06-01. Review status: criteria provided, single submitter. Criteria: CeGaT Center For Human Genetics Tuebingen Variant Classification Criteria Version 2. Collection method: clinical testing. Allele origin: germline. Affected: yes. Observed: 1 variant allele.
Comment: SLC25A10: PM2

NM_012140.5(SLC25A10):c.214-6C>A

Gene: SLC25A10 (solute carrier family 25 member 10; plus strand). Cytogenetic location: 17q25.3.
Variant type: single nucleotide variant.
Coding change: c.214-6C>A on transcript NM_012140.5 (MANE Select); 6 bases into the intron before coding-DNA position 214, C replaced by A.
Molecular consequence: intron variant.
Genome position (GRCh38, 1-based): chr17:81,715,472, C>A. VCF-style: chr17-81715472-C-A. GRCh37 (hg19) VCF-style: chr17-79682502-C-A.
Other names: c.214-6C>A (NM_001270888.2, NM_001270953.2).
Identifiers: ClinVar variation 3250599 (VCV003250599.18), dbSNP rs369343223.